The following is an entry in ClinVar:

ClinVar aggregate classification (germline): Uncertain significance. Review status: criteria provided, multiple submitters, no conflicts (2 of 4 stars). 2 submissions from 2 submitters: Uncertain significance (2). Last evaluated 2022-06-14.

Conditions:
Autosomal dominant hypocalcemia 1 (HYPOC1). Also called: HYPOCALCEMIA, FAMILIAL. Identifiers: MedGen C3715128, MONDO:0011013, OMIM 601198.
Familial hypocalciuric hypercalcemia (FHH). Also called: Familial benign hypercalcemia. Identifiers: Orphanet 405, MedGen C1809471, MONDO:0018458.

Allele frequency attached by ClinVar (database versions not stated): gnomAD below 0.00001 and 0.00001; gnomAD exomes below 0.00001.
gnomAD v4.1: 2 of 1,610,250 alleles (0.00012%); highest among the groups gnomAD compares: South Asian, 0.0011%; no homozygotes.

Submissions (2):

Labcorp Genetics (formerly Invitae), Labcorp
Classification: Uncertain significance for Familial hypocalciuric hypercalcemia; Autosomal dominant hypocalcemia 1. Last evaluated: 2022-06-14. Review status: criteria provided, single submitter. Criteria: Invitae Variant Classification Sherloc (09022015). Collection method: clinical testing. Allele origin: germline.
Comment: This sequence change falls in intron 4 of the CASR gene. It does not directly change the encoded amino acid sequence of the CASR protein. It affects a nucleotide within the consensus splice site. This variant is not present in population databases (gnomAD no frequency). This variant has not been reported in the literature in individuals affected with CASR-related conditions. ClinVar contains an entry for this variant (Variation ID: 932126). Variants that disrupt the consensus splice site are a relatively common cause of aberrant splicing (PMID: 17576681, 9536098). Algorithms developed to predict the effect of sequence changes on RNA splicing suggest that this variant is not likely to affect RNA splicing. In summary, the available evidence is currently insufficient to determine the role of this variant in disease. Therefore, it has been classified as a Variant of Uncertain Significance.

Centre for Mendelian Genomics, University Medical Centre Ljubljana
Classification: Uncertain significance for Autosomal dominant hypocalcemia 1. Last evaluated: 2019-09-11. Review status: criteria provided, single submitter. Criteria: ACMG Guidelines, 2015. Collection method: clinical testing. Allele origin: unknown. Affected: yes.
Comment: This variant was classified as: Uncertain significance. The available evidence on this variant's pathogenicity is insufficient or conflicting. The following ACMG criteria were applied in classifying this variant: PM2,BP4.

Literature cited by the submitters: PubMed 17576681 (cited by Labcorp Genetics (formerly Invitae), Labcorp); PubMed 9536098 (cited by Labcorp Genetics (formerly Invitae), Labcorp).

NM_000388.4(CASR):c.1377+3G>A

Gene: CASR (calcium sensing receptor; plus strand). Cytogenetic location: 3q21.1.
Variant type: single nucleotide variant.
Coding change: c.1377+3G>A on transcript NM_000388.4 (MANE Select); 3 bases into the intron after coding-DNA position 1377, G replaced by A.
Molecular consequence: intron variant.
Genome position (GRCh38, 1-based): chr3:122,262,415, G>A. VCF-style: chr3-122262415-G-A. GRCh37 (hg19) VCF-style: chr3-121981262-G-A.
Other names: c.1377+3G>A (NM_001178065.2).
Identifiers: ClinVar variation 932126 (VCV000932126.8), dbSNP rs199824580, ClinGen allele CA82739153.